The following is an entry in ClinVar:

ClinVar aggregate classification (germline): Conflicting classifications of pathogenicity. Review status: criteria provided, conflicting classifications (1 of 4 stars). 3 submissions from 3 submitters: Pathogenic (1); Uncertain significance (1). 1 of the submissions does not count toward it. Last evaluated 2019-12-24.

Submissions (3):

GeneDx
Classification: Pathogenic. Last evaluated: 2019-12-24. Review status: criteria provided, single submitter. Criteria: GeneDx Variant Classification (06012015). Collection method: clinical testing. Allele origin: germline. Affected: yes.
Comment: The c.793_795delGAG variant in the SMC1A gene has been observed in the mosaic state in GeneDx sequencing data in association with global developmental delay, short stature, microcephaly, and dysmorphic features. The c.793_795delGAG variant causes an in-frame deletion of one amino acid in a non-repeat region. In silico analysis, which includes protein predictors and evolutionary conservation, supports a deleterious effect. The c.793_795delGAG variant is not observed in large population cohorts (Lek et al., 2016). Therefore, we interpret c.793_795delGAG as a pathogenic variant.

CeGaT Center for Human Genetics Tuebingen
Classification: Uncertain significance. Last evaluated: 2018-08-01. Review status: criteria provided, single submitter. Criteria: CeGaT Center For Human Genetics Tuebingen Variant Classification Criteria Version 2. Collection method: clinical testing. Allele origin: germline. Affected: yes. Observed: 1 variant allele.

Molecular Genetics laboratory, Necker Hospital
Classification: Pathogenic. Last evaluated: 2022-10-28. Review status: no assertion criteria provided. Collection method: clinical testing. Allele origin: unknown. Affected: yes. Not counted in ClinVar's aggregate classification.

NM_006306.4(SMC1A):c.793_795del (p.Glu265del)

Gene: SMC1A (structural maintenance of chromosomes 1A; minus strand). Cytogenetic location: Xp11.22.
Variant type: Deletion.
Coding change: c.793_795del on transcript NM_006306.4 (MANE Select); coding-DNA positions 793 to 795, 3 bases deleted (GAG; older notation c.793_795delGAG).
Protein change: p.Glu265del; deletes glutamic acid 265.
Molecular consequence: inframe deletion.
Genome position (GRCh38, 1-based): chrX:53,412,959-53,412,961, CTC deleted on the plus strand (GAG on the coding strand, the reverse complement: SMC1A is on the minus strand); deleting any 3 consecutive bases within chrX:53,412,959-53,412,963 gives the same sequence; the c. name uses the placement nearest the transcript's 3' end. VCF-style (leftmost placement, unchanged base first): chrX-53412958-TCTC-T. GRCh37 (hg19) VCF-style: chrX-53439908-TCTC-T.
Other names: c.727_729del, p.Glu243del (NM_001281463.1); short protein forms E243del, E265del.
Identifiers: ClinVar variation 810622 (VCV000810622.45), dbSNP rs1602413408, ClinGen allele CA915951070.
Genomic context (GRCh38, chrX:53,412,958, plus strand): 5'-ACTTGATCTCCTTCTCAATCTGCTGCTGCTCCCGCATCATTTTGCCCAGCTCCTTCTTCT[TCTC>T]CTTCAGTTCATCCTCCACCTTGTCCATACGCTTCTTGTCCTTCTCGATCTCCTTGTTCTT-3'